The following is an entry in ClinVar:

NM_000038.6(APC):c.5477A>G (p.Lys1826Arg)

Gene: APC (APC regulator of Wnt signaling pathway; plus strand). Cytogenetic location: 5q22.2.
Variant type: single nucleotide variant.
Coding change: c.5477A>G on transcript NM_000038.6 (MANE Select); coding-DNA position 5477, A replaced by G.
Protein change: p.Lys1826Arg; replaces lysine 1826 with arginine.
Molecular consequence: missense variant.
Genome position (GRCh38, 1-based): chr5:112,841,071, A>G. VCF-style: chr5-112841071-A-G. GRCh37 (hg19) VCF-style: chr5-112176768-A-G.
Other names: c.5477A>G, p.Lys1826Arg (NM_001127510.3, NM_001354895.2); c.5423A>G, p.Lys1808Arg (NM_001127511.3); c.5531A>G, p.Lys1844Arg (NM_001354896.2); c.5507A>G, p.Lys1836Arg (NM_001354897.2); c.5402A>G, p.Lys1801Arg (NM_001354898.2); c.5393A>G, p.Lys1798Arg (NM_001354899.2); c.5354A>G, p.Lys1785Arg (NM_001354900.2); c.5300A>G, p.Lys1767Arg (NM_001354901.2); and 5 more; short protein forms K1808R, K1826R, K1725R, K1735R, K1666R, K1543R, K1801R, K1836R.
Identifiers: ClinVar variation 571599 (VCV000571599.10), dbSNP rs1561600380, ClinGen allele CA16033316.

ClinVar aggregate classification (germline): Uncertain significance (1 of 4 stars; one submission).

Conditions:
Familial adenomatous polyposis 1 (FAP1). Also called: POLYPOSIS, ADENOMATOUS INTESTINAL; FAMILIAL ADENOMATOUS POLYPOSIS 1, ATTENUATED. Identifiers: MedGen C2713442, MONDO:0021056, OMIM 175100. Disease mechanism: loss of function.

Submission:

Labcorp Genetics (formerly Invitae), Labcorp
Classification: Uncertain significance for Familial adenomatous polyposis 1. Last evaluated: 2018-05-30. Review status: criteria provided, single submitter. Criteria: Invitae Variant Classification Sherloc (09022015). Collection method: clinical testing. Allele origin: germline.
Comment: In summary, the available evidence is currently insufficient to determine the role of this variant in disease. Therefore, it has been classified as a Variant of Uncertain Significance. Algorithms developed to predict the effect of sequence changes on RNA splicing suggest that this variant may create or strengthen a splice site, but this prediction has not been confirmed by published transcriptional studies. Algorithms developed to predict the effect of missense changes on protein structure and function are either unavailable or do not agree on the potential impact of this missense change (SIFT: "Tolerated"; PolyPhen-2: "Possibly Damaging"; Align-GVGD: "Class C0"). This variant has not been reported in the literature in individuals with APC-related disease. This variant is not present in population databases (ExAC no frequency). This sequence change replaces lysine with arginine at codon 1826 of the APC protein (p.Lys1826Arg). The lysine residue is highly conserved and there is a small physicochemical difference between lysine and arginine.